The following is an entry in ClinVar:

NM_000489.6(ATRX):c.869T>C (p.Leu290Ser)

Gene: ATRX (ATRX chromatin remodeler; minus strand). Cytogenetic location: Xq21.1.
Variant type: single nucleotide variant.
Coding change: c.869T>C on transcript NM_000489.6 (MANE Select); coding-DNA position 869, T replaced by C.
Protein change: p.Leu290Ser; replaces leucine 290 with serine.
Molecular consequence: missense variant.
Genome position (GRCh38, 1-based): chrX:77,684,387, A>G on the plus strand (T>C on the coding strand, the complement: ATRX is on the minus strand). VCF-style: chrX-77684387-A-G. GRCh37 (hg19) VCF-style: chrX-76939879-A-G.
Other names: c.755T>C, p.Leu252Ser (NM_138270.5); short protein forms L290S, L252S.
Identifiers: ClinVar variation 2815655 (VCV002815655.3), dbSNP rs2148635893, ClinGen allele CA413720448.

ClinVar aggregate classification (germline): Uncertain significance (1 of 4 stars; one submission).

Conditions:
Alpha thalassemia-X-linked intellectual disability syndrome (ATRX). Also called: ALPHA-THALASSEMIA/MENTAL RETARDATION SYNDROME, X-LINKED; ATR, NONDELETION TYPE; ATR-X syndrome; Alpha thalassemia mental retardation syndrome, nondeletion type, X-linked; XLMR hypotonic face syndrome; X-linked alpha-thalassemia-mental retardation syndrome. Identifiers: Orphanet 847, MedGen C1845055, MONDO:0010519, OMIM 301040.

Submission:

Labcorp Genetics (formerly Invitae), Labcorp
Classification: Uncertain significance for Alpha thalassemia-X-linked intellectual disability syndrome. Last evaluated: 2022-11-23. Review status: criteria provided, single submitter. Criteria: Invitae Variant Classification Sherloc (09022015). Collection method: clinical testing. Allele origin: germline.
Comment: Advanced modeling of protein sequence and biophysical properties (such as structural, functional, and spatial information, amino acid conservation, physicochemical variation, residue mobility, and thermodynamic stability) performed at Invitae indicates that this missense variant is not expected to disrupt ATRX protein function. In summary, the available evidence is currently insufficient to determine the role of this variant in disease. Therefore, it has been classified as a Variant of Uncertain Significance. This variant has not been reported in the literature in individuals affected with ATRX-related conditions. This variant is not present in population databases (gnomAD no frequency). This sequence change replaces leucine, which is neutral and non-polar, with serine, which is neutral and polar, at codon 290 of the ATRX protein (p.Leu290Ser).